The following is an entry in ClinVar:

ClinVar aggregate classification (germline): Uncertain significance (1 of 4 stars; one submission).

Allele frequency attached by ClinVar (database versions not stated): TOPMed below 0.00001; ExAC 0.00001; gnomAD 0.00001; gnomAD exomes 0.00001.
gnomAD v4.1: 24 of 1,613,034 alleles (0.0015%); highest among the groups gnomAD compares: Non-Finnish European, 0.0019%; no homozygotes.

Submission:

Labcorp Genetics (formerly Invitae), Labcorp
Classification: Uncertain significance. Last evaluated: 2022-02-11. Review status: criteria provided, single submitter. Criteria: Invitae Variant Classification Sherloc (09022015). Collection method: clinical testing. Allele origin: germline.
Comment: The COL18A1 gene has multiple clinically relevant transcripts. This variant occurs in alternate transcript NM_030582.3, and corresponds to NM_130445.2:c.107-12393A>G in the primary transcript. This sequence change replaces isoleucine, which is neutral and non-polar, with valine, which is neutral and non-polar, at codon 107 of the COL18A1 protein (p.Ile107Val). This variant is present in population databases (rs770111210, gnomAD 0.003%). This variant has not been reported in the literature in individuals affected with COL18A1-related conditions. Experimental studies and prediction algorithms are not available or were not evaluated, and the functional significance of this variant is currently unknown. In summary, the available evidence is currently insufficient to determine the role of this variant in disease. Therefore, it has been classified as a Variant of Uncertain Significance.

NM_001379500.1(COL18A1):c.107-12393A>G

Gene: COL18A1 (collagen type XVIII alpha 1 chain; plus strand). Cytogenetic location: 21q22.3.
Variant type: single nucleotide variant.
Coding change: c.107-12393A>G on transcript NM_001379500.1 (MANE Select); 12393 bases into the intron before coding-DNA position 107, A replaced by G.
Molecular consequence: intron variant. On other transcripts: missense variant (2).
Genome position (GRCh38, 1-based): chr21:45,455,849, A>G. VCF-style: chr21-45455849-A-G. GRCh37 (hg19) VCF-style: chr21-46875763-A-G.
Other names: c.319A>G, p.Ile107Val (NM_030582.4, NM_130444.3); short protein forms I107V.
Identifiers: ClinVar variation 2096611 (VCV002096611.2), dbSNP rs770111210, ClinGen allele CA10065439.
Genomic context (GRCh38, chr21:45,455,849, plus strand): 5'-CTGGAAGATGGCCAGGACACCCCCACTTCTGCCGAGAGCCCGGACGCGCCAGAGGAGAAC[A>G]TTGCCGGTGTCGGAGCCGAGATCCTGAACGTGGCCAAAGGCATCCGGAGCTTCGTCCAGC-3'